The following is an entry in ClinVar:

NM_001161352.2(KCNMA1):c.3314T>C (p.Leu1105Pro)

Genes: KCNMA1 (potassium calcium-activated channel subfamily M alpha 1; minus strand), KCNMA1-AS1 (KCNMA1 antisense RNA 1; plus strand). Cytogenetic location: 10q22.3.
Variant type: single nucleotide variant.
Coding change: c.3314T>C on transcript NM_001161352.2 (MANE Select); coding-DNA position 3314, T replaced by C.
Protein change: p.Leu1105Pro; replaces leucine 1105 with proline.
Molecular consequence: missense variant.
Genome position (GRCh38, 1-based): chr10:76,891,553, A>G on the plus strand (T>C on the coding strand, the complement: KCNMA1 is on the minus strand). VCF-style: chr10-76891553-A-G. GRCh37 (hg19) VCF-style: chr10-78651311-A-G.
Other names: c.3152T>C, p.Leu1051Pro (NM_001014797.3); c.3263T>C, p.Leu1088Pro (NM_001161353.2); c.2990T>C, p.Leu997Pro (NM_001271518.2); c.3230T>C, p.Leu1077Pro (NM_001271519.2); c.3149T>C, p.Leu1050Pro (NM_001322829.2, NM_001322836.2); c.3242T>C, p.Leu1081Pro (NM_001322830.2); c.3140T>C, p.Leu1047Pro (NM_001322832.2, NM_001410940.1, NM_002247.4); c.3233T>C, p.Leu1078Pro (NM_001322835.2, NM_001322837.2); and 3 more; short protein forms L1047P, L1050P, L1051P, L1076P, L1077P, L1078P, L1081P, L1088P.
Identifiers: ClinVar variation 5042048 (VCV005042048.1).

ClinVar aggregate classification (germline): Uncertain significance (1 of 4 stars; one submission).

Conditions:
Generalized epilepsy-paroxysmal dyskinesia syndrome (PNKD3). Also called: Generalized epilepsy and paroxysmal dyskinesia; Paroxysmal nonkinesigenic dyskinesia, 3, with or without generalized epilepsy. Identifiers: Orphanet 79137, MedGen C5574945, MONDO:0012276, OMIM 609446.

Submission:

Clinical Genetics Laboratory, University Hospital Schleswig-Holstein
Classification: Uncertain significance for Generalized epilepsy-paroxysmal dyskinesia syndrome. Last evaluated: 2025-06-02. Review status: criteria provided, single submitter. Criteria: ACMG Guidelines, 2015. Collection method: clinical testing. Allele origin: paternal. Affected: yes. Observed: 1 heterozygote.
Comment: ACMG criteria applied: PM2, PP2, PP3

Literature cited by the submitters: PubMed 34224328; PubMed 31427379.